The following is an entry in ClinVar:

NM_032588.4(TRIM63):c.805G>A (p.Glu269Lys)

Gene: TRIM63 (tripartite motif containing 63; minus strand). Cytogenetic location: 1p36.11.
Variant type: single nucleotide variant.
Coding change: c.805G>A on transcript NM_032588.4 (MANE Select); coding-DNA position 805, G replaced by A.
Protein change: p.Glu269Lys; replaces glutamic acid 269 with lysine.
Molecular consequence: missense variant.
Genome position (GRCh38, 1-based): chr1:26,058,416, C>T on the plus strand (G>A on the coding strand, the complement: TRIM63 is on the minus strand). VCF-style: chr1-26058416-C-T. GRCh37 (hg19) VCF-style: chr1-26384907-C-T.
Other names: p.Glu269Lys; c.805G>A (NM_032588.3); short protein forms E269K.
Identifiers: ClinVar variation 806097 (VCV000806097.50), dbSNP rs61749355, ClinGen allele CA699545.

ClinVar aggregate classification (germline): Conflicting classifications of pathogenicity. Review status: criteria provided, conflicting classifications (1 of 4 stars). 7 submissions from 7 submitters: Uncertain significance (2); Likely benign (4). 1 of the submissions does not count toward it. Last evaluated 2026-09-01.

Conditions:
Hypertrophic cardiomyopathy. Also called: HYPERTROPHIC MYOCARDIOPATHY. Identifiers: Orphanet 217569, MedGen C0007194, MeSH D002312, MONDO:0005045, HP:0001639.

Allele frequency attached by ClinVar (database versions not stated): 1000 Genomes Project 30x 0.00078; 1000 Genomes Project 0.00080; TOPMed 0.00285; gnomAD 0.00305 and 0.00316; ESP Exome Variant Server 0.00361.

Submissions (7):

CeGaT Center for Human Genetics Tuebingen
Classification: Likely benign. Last evaluated: 2026-09-01. Review status: criteria provided, single submitter. Criteria: CeGaT Center For Human Genetics Tuebingen Variant Classification Criteria Version 2. Collection method: clinical testing. Allele origin: germline. Affected: yes. Observed: 4 variant alleles.
Comment: TRIM63: BS2

Women's Health and Genetics/Laboratory Corporation of America, LabCorp
Classification: Likely benign. Last evaluated: 2026-04-06. Review status: criteria provided, single submitter. Criteria: LabCorp Variant Classification Summary - May 2015. Collection method: clinical testing. Allele origin: germline.
Comment: Variant summary: TRIM63 c.805G>A (p.Glu269Lys) results in a conservative amino acid change located in the COS domain (IPR017903) of the encoded protein sequence. Algorithms developed to predict the effect of missense changes on protein structure and function are either unavailable or do not agree on the potential impact of this missense change. The variant allele was found at a frequency of 0.0031 in 250692 control chromosomes, predominantly at a frequency of 0.0059 within the Non-Finnish European subpopulation in the gnomAD database. The observed variant frequency within Non-Finnish European control individuals in the gnomAD database exceeds the estimated maximal expected allele frequency for disease-causing variants in TRIM63. c.805G>A has been reported in the literature in unspecified individuals affected with Hypertrophic Cardiomyopathy as well as in the control cohort, without strong evidence for causality (Chen_2012). These report(s) do not provide unequivocal conclusions about association of the variant with Hypertrophic Cardiomyopathy. To our knowledge, no experimental evidence demonstrating an impact on protein function has been reported. The following publication have been ascertained in the context of this evaluation (PMID: 22821932). ClinVar contains an entry for this variant (Variation ID: 806097). Based on the evidence outlined above, the variant was classified as likely benign.

Molecular Diagnostic Laboratory for Inherited Cardiovascular Disease, Montreal Heart Institute
Classification: Likely benign. Last evaluated: 2025-04-09. Review status: criteria provided, single submitter. Criteria: ACMG Guidelines, 2015. Collection method: clinical testing. Allele origin: germline. Affected: no.
Comment: BS1;BP4

Mayo Clinic Laboratories, Mayo Clinic
Classification: Likely benign. Last evaluated: 2025-02-04. Review status: criteria provided, single submitter. Criteria: ACMG Guidelines, 2015. Collection method: clinical testing. Allele origin: germline. Observed: 17 variant alleles.
Comment: BS1, BP4

Clinical Genetics Laboratory, Skane University Hospital Lund
Classification: Uncertain significance. Last evaluated: 2023-09-25. Review status: criteria provided, single submitter. Criteria: ACMG Guidelines, 2015. Collection method: clinical testing. Allele origin: germline. Affected: yes.

Breakthrough Genomics
Classification: Uncertain significance. Review status: criteria provided, single submitter. Criteria: ACMG Guidelines, 2015. Collection method: not provided. Allele origin: germline. Inheritance: Unknown mechanism. Affected: yes.

Zaffran Lab, Genetics of Cardiac Diseases Laboratory, Marseille Medical Genetics
Classification: Uncertain significance for hypertrophic cardiomyopathy. Review status: no assertion criteria provided. Collection method: research. Allele origin: unknown. Affected: yes. Not counted in ClinVar's aggregate classification.

Literature cited by the submitters: PubMed 22821932 (cited by Women's Health and Genetics/Laboratory Corporation of America, LabCorp).